The following is an entry in ClinVar:

ClinVar aggregate classification (germline): Uncertain significance (1 of 4 stars; one submission).

Allele frequency attached by ClinVar (database versions not stated): ExAC 0.00001.
gnomAD v4.1: 8 of 1,611,966 alleles (0.0005%); highest among the groups gnomAD compares: South Asian, 0.0033%; no homozygotes.

Submission:

GeneDx
Classification: Uncertain significance. Last evaluated: 2022-12-27. Review status: criteria provided, single submitter. Criteria: GeneDx Variant Classification Process June 2021. Collection method: clinical testing. Allele origin: germline. Affected: yes.
Comment: Not observed at significant frequency in large population cohorts (gnomAD); Has not been previously published as pathogenic or benign to our knowledge; In silico analysis suggests this variant may impact gene splicing. In the absence of RNA/functional studies, the actual effect of this sequence change is unknown.

NM_018896.5(CACNA1G):c.2547G>A (p.Pro849=)

Gene: CACNA1G (calcium voltage-gated channel subunit alpha1 G; plus strand). Cytogenetic location: 17q21.33.
Variant type: single nucleotide variant.
Coding change: c.2547G>A on transcript NM_018896.5 (MANE Select); coding-DNA position 2547, G replaced by A.
Protein change: p.Pro849=; no amino-acid change (proline 849 retained).
Molecular consequence: synonymous variant. On other transcripts: non-coding transcript variant (5).
Genome position (GRCh38, 1-based): chr17:50,591,528, G>A. VCF-style: chr17-50591528-G-A. GRCh37 (hg19) VCF-style: chr17-48668889-G-A.
Other names: c.2547G>A, p.Pro849= (NM_001256324.2, NM_001256325.2, NM_001256326.2 and 24 more transcripts).
Identifiers: ClinVar variation 2507088 (VCV002507088.1), dbSNP rs757500986, ClinGen allele CA8652448.